The following is an entry in ClinVar:

ClinVar aggregate classification (germline): Uncertain significance (1 of 4 stars; one submission).

Conditions:
Dilated cardiomyopathy 1G (CMD1G). Identifiers: Orphanet 154, MedGen C1858763, MONDO:0011400, OMIM 604145.
Autosomal recessive limb-girdle muscular dystrophy type 2J (LGMDR10). Also called: Limb-girdle muscular dystrophy, type 2J; MUSCULAR DYSTROPHY, LIMB-GIRDLE, AUTOSOMAL RECESSIVE 10. Identifiers: Orphanet 140922, MedGen C1837342, MONDO:0012127, OMIM 608807.

Allele frequency attached by ClinVar (database versions not stated): TOPMed below 0.00001.
gnomAD v4.1: 1 of 1,613,776 alleles (0.000062%); no homozygotes.

Submission:

Labcorp Genetics (formerly Invitae), Labcorp
Classification: Uncertain significance for Dilated cardiomyopathy 1G; Limb-girdle muscular dystrophy, type 2J. Last evaluated: 2018-07-16. Review status: criteria provided, single submitter. Criteria: Invitae Variant Classification Sherloc (09022015). Collection method: clinical testing. Allele origin: germline.
Comment: This sequence change replaces methionine with isoleucine at codon 31977 of the TTN protein (p.Met31977Ile). There is a small physicochemical difference between methionine and isoleucine. This variant is not present in population databases (ExAC no frequency). This variant has not been reported in the literature in individuals with TTN-related disease. This variant is located in the A band of TTN (PMID: 25589632).Â¬â€ Variants in this region may be relevant for cardiac or neuromuscular disorders (PMID:Â¬â€ 25589632,Â¬â€ 23975875). Algorithms developed to predict the effect of missense changes on protein structure and function are unavailable for the TTN gene. Algorithms developed to predict the effect of sequence changes on RNA splicing suggest that this variant may create or strengthen a splice site, but this prediction has not been confirmed by published transcriptional studies. In summary, the available evidence is currently insufficient to determine the role of this variant in disease. Therefore, it has been classified as a Variant of Uncertain Significance.

Literature cited by the submitters: PubMed 25589632.

NM_001267550.2(TTN):c.95931G>A (p.Met31977Ile)

Genes: TTN (titin; minus strand), TTN-AS1 (TTN antisense RNA 1; plus strand). Cytogenetic location: 2q31.2.
Variant type: single nucleotide variant.
Coding change: c.95931G>A on transcript NM_001267550.2 (MANE Select); coding-DNA position 95931, G replaced by A.
Protein change: p.Met31977Ile; replaces methionine 31977 with isoleucine.
Molecular consequence: missense variant.
Genome position (GRCh38, 1-based): chr2:178,544,298, C>T on the plus strand (G>A on the coding strand, the complement: TTN is on the minus strand). VCF-style: chr2-178544298-C-T. GRCh37 (hg19) VCF-style: chr2-179409025-C-T.
Other names: c.91008G>A, p.Met30336Ile (NM_001256850.1); c.68736G>A, p.Met22912Ile (NM_003319.4); c.88227G>A, p.Met29409Ile (NM_133378.4); c.69111G>A, p.Met23037Ile (NM_133432.3); c.69312G>A, p.Met23104Ile (NM_133437.4); short protein forms M22912I, M23037I, M23104I, M29409I, M30336I, M31977I.
Identifiers: ClinVar variation 647277 (VCV000647277.1), dbSNP rs1575423808, ClinGen allele CA349455942.